The following is an entry in ClinVar:

ClinVar aggregate classification (germline): Benign/Likely benign. Review status: criteria provided, multiple submitters, no conflicts (2 of 4 stars). 9 submissions from 9 submitters: Benign (1); Likely benign (7). 1 of the submissions does not count toward it. Last evaluated 2026-03-04.

Conditions:
Autosomal dominant childhood-onset proximal spinal muscular atrophy with contractures (SMALED2A). Also called: SPINAL MUSCULAR ATROPHY, LOWER EXTREMITY-PREDOMINANT, 2A, CHILDHOOD ONSET, AUTOSOMAL DOMINANT; Spinal muscular atrophy, lower extremity-predominant, 2A, autosomal dominant. Identifiers: Orphanet 363447, Orphanet 363454, MedGen C4747715, MONDO:0014121, OMIM 615290.
BICD2-related disorder. Also called: BICD2-related condition.
Inborn genetic diseases. Identifiers: MedGen C0950123, MeSH D030342.

Allele frequency attached by ClinVar (database versions not stated): TOPMed 0.00091; ESP Exome Variant Server 0.00092; 1000 Genomes Project 0.00040; 1000 Genomes Project 30x 0.00047; gnomAD 0.00065 and 0.00066; ExAC 0.00068; gnomAD exomes 0.00070 and 0.00073.
gnomAD v4.1: 1,150 of 1,613,974 alleles (0.071%); highest among the groups gnomAD compares: Admixed American, 0.19%; 4 homozygotes.

Submissions (9):

Women's Health and Genetics/Laboratory Corporation of America, LabCorp
Classification: Likely benign. Last evaluated: 2026-03-04. Review status: criteria provided, single submitter. Criteria: LabCorp Variant Classification Summary - May 2015. Collection method: clinical testing. Allele origin: germline.

Labcorp Genetics (formerly Invitae), Labcorp
Classification: Likely benign for Autosomal dominant childhood-onset proximal spinal muscular atrophy with contractures. Last evaluated: 2026-02-01. Review status: criteria provided, single submitter. Criteria: Invitae Variant Classification Sherloc (09022015). Collection method: clinical testing. Allele origin: germline.

Laboratory of Genetics, Children's Clinical University Hospital Latvia
Classification: Likely benign. Last evaluated: 2025-02-16. Review status: criteria provided, single submitter. Criteria: ACMG Guidelines, 2015. Collection method: clinical testing. Allele origin: germline. Affected: yes.

Blueprint Genetics
Classification: Likely benign. Last evaluated: 2024-11-22. Review status: criteria provided, single submitter. Criteria: ACMG Guidelines, 2015. Collection method: clinical testing. Allele origin: germline.

CeGaT Center for Human Genetics Tuebingen
Classification: Likely benign. Last evaluated: 2024-02-01. Review status: criteria provided, single submitter. Criteria: CeGaT Center For Human Genetics Tuebingen Variant Classification Criteria Version 2. Collection method: clinical testing. Allele origin: germline. Affected: yes. Observed: 1 variant allele.
Comment: BICD2: BS2

ARUP Laboratories, Molecular Genetics and Genomics, ARUP Laboratories
Classification: Likely benign. Last evaluated: 2023-12-18. Review status: criteria provided, single submitter. Criteria: ARUP Molecular Germline Variant Investigation Process 2024. Collection method: clinical testing. Allele origin: germline.

Ambry Genetics
Classification: Likely benign for Inborn genetic diseases. Last evaluated: 2019-11-27. Review status: criteria provided, single submitter. Criteria: Ambry Variant Classification Scheme 2023. Collection method: clinical testing. Allele origin: germline.

GeneDx
Classification: Benign. Last evaluated: 2019-08-02. Review status: criteria provided, single submitter. Criteria: GeneDx Variant Classification Process June 2021. Collection method: clinical testing. Allele origin: germline. Affected: yes.

PreventionGenetics, part of Exact Sciences
Classification: Likely benign for BICD2-related condition. Last evaluated: 2019-11-19. Review status: no assertion criteria provided. Collection method: clinical testing. Allele origin: germline. Not counted in ClinVar's aggregate classification.
Comment: This variant is classified as likely benign based on ACMG/AMP sequence variant interpretation guidelines (Richards et al. 2015 PMID: 25741868, with internal and published modifications).

NM_001003800.2(BICD2):c.1179T>A (p.Asn393Lys)

Gene: BICD2 (BICD cargo adaptor 2; minus strand). Cytogenetic location: 9q22.31.
Variant type: single nucleotide variant.
Coding change: c.1179T>A on transcript NM_001003800.2 (MANE Select); coding-DNA position 1179, T replaced by A.
Protein change: p.Asn393Lys; replaces asparagine 393 with lysine.
Molecular consequence: missense variant.
Genome position (GRCh38, 1-based): chr9:92,719,466, A>T on the plus strand (T>A on the coding strand, the complement: BICD2 is on the minus strand). VCF-style: chr9-92719466-A-T. GRCh37 (hg19) VCF-style: chr9-95481748-A-T.
Other names: c.1179T>A, p.Asn393Lys (NM_015250.4); short protein forms N393K.
Identifiers: ClinVar variation 474255 (VCV000474255.80), dbSNP rs144427583, ClinGen allele CA5126617.